The following is an entry in ClinVar:

NM_000038.6(APC):c.8189C>G (p.Ala2730Gly)

Gene: APC (APC regulator of Wnt signaling pathway; plus strand). Cytogenetic location: 5q22.2.
Variant type: single nucleotide variant.
Coding change: c.8189C>G on transcript NM_000038.6 (MANE Select); coding-DNA position 8189, C replaced by G.
Protein change: p.Ala2730Gly; replaces alanine 2730 with glycine.
Molecular consequence: missense variant.
Genome position (GRCh38, 1-based): chr5:112,843,783, C>G. VCF-style: chr5-112843783-C-G. GRCh37 (hg19) VCF-style: chr5-112179480-C-G.
Other names: c.8189C>G, p.Ala2730Gly (NM_001127510.3, NM_001354895.2, NM_001407450.1); c.8135C>G, p.Ala2712Gly (NM_001127511.3); c.8243C>G, p.Ala2748Gly (NM_001354896.2, NM_001407447.1, NM_001407448.1 and 1 more transcripts); c.8219C>G, p.Ala2740Gly (NM_001354897.2); c.8114C>G, p.Ala2705Gly (NM_001354898.2); c.8105C>G, p.Ala2702Gly (NM_001354899.2); c.8066C>G, p.Ala2689Gly (NM_001354900.2); c.8012C>G, p.Ala2671Gly (NM_001354901.2, NM_001407453.1); and 11 more; short protein forms A2689G, A2712G, A2748G, A2346G, A2604G, A2647G, A2730G, A2758G.
Identifiers: ClinVar variation 1762331 (VCV001762331.2), dbSNP rs976132108, ClinGen allele CA16039109.

ClinVar aggregate classification (germline): Uncertain significance (1 of 4 stars; one submission).

Conditions:
Hereditary cancer-predisposing syndrome. Also called: Neoplastic Syndromes, Hereditary; Tumor predisposition; Hereditary Cancer Syndrome; Hereditary neoplastic syndrome. Identifiers: Orphanet 140162, MedGen C0027672, MeSH D009386, MONDO:0015356.

Submission:

Ambry Genetics
Classification: Uncertain significance for Hereditary cancer-predisposing syndrome. Last evaluated: 2021-08-04. Review status: criteria provided, single submitter. Criteria: Ambry Variant Classification Scheme 2023. Collection method: clinical testing. Allele origin: germline.
Comment: The p.A2730G variant (also known as c.8189C>G), located in coding exon 15 of the APC gene, results from a C to G substitution at nucleotide position 8189. The alanine at codon 2730 is replaced by glycine, an amino acid with similar properties. This amino acid position is poorly conserved in available vertebrate species. In addition, in silico predictors for this gene do not accurately predict pathogenicity. Since supporting evidence is limited at this time, the clinical significance of this alteration remains unclear.